The following is an entry in ClinVar:

ClinVar aggregate classification (germline): Likely pathogenic (1 of 4 stars; one submission).

Conditions:
Autosomal recessive nonsyndromic hearing loss 124. Also called: DEAFNESS, AUTOSOMAL RECESSIVE 124. Identifiers: MedGen C5935612, MONDO:0968981, OMIM 620794.

Submission:

First Genomix Gene Laboratory, Genetic Diagnostics Department
Classification: Likely pathogenic for Autosomal recessive nonsyndromic hearing loss 124. Last evaluated: 2025-07-25. Review status: criteria provided, single submitter. Criteria: ACMG Guidelines, 2015. Collection method: clinical testing. Allele origin: germline. Inheritance: Autosomal recessive inheritance. Affected: no. Observed: 1 variant allele.

NM_177531.6(PKHD1L1):c.8581_8593del (p.Asp2861fs)

Gene: PKHD1L1 (PKHD1 like 1; plus strand). Cytogenetic location: 8q23.1.
Variant type: Deletion.
Coding change: c.8581_8593del on transcript NM_177531.6 (MANE Select); coding-DNA positions 8581 to 8593, 13 bases deleted (GATGTGGTTCTTT).
Protein change: p.Asp2861fs; shifts the reading frame from aspartic acid 2861.
Molecular consequence: frameshift variant.
Genome position (GRCh38, 1-based): chr8:109,466,745-109,466,757, GATGTGGTTCTTT deleted. VCF-style (leftmost placement, unchanged base first): chr8-109466744-GGATGTGGTTCTTT-G. GRCh37 (hg19) VCF-style: chr8-110478973-GGATGTGGTTCTTT-G.
Other names: c.8581_8593delGATGTGGTTCTTT (NM_177531.6); short protein forms D2861fs.
Identifiers: ClinVar variation 4849320 (VCV004849320.1).